The following is an entry in ClinVar:

NM_020822.3(KCNT1):c.323A>C (p.Asn108Thr)

Gene: KCNT1 (potassium sodium-activated channel subfamily T member 1; plus strand). Cytogenetic location: 9q34.3.
Variant type: single nucleotide variant.
Coding change: c.323A>C on transcript NM_020822.3 (MANE Select); coding-DNA position 323, A replaced by C.
Protein change: p.Asn108Thr; replaces asparagine 108 with threonine.
Molecular consequence: missense variant.
Genome position (GRCh38, 1-based): chr9:135,750,166, A>C. VCF-style: chr9-135750166-A-C. GRCh37 (hg19) VCF-style: chr9-138642012-A-C.
Other names: c.179A>C, p.Asn60Thr (NM_001272003.2); short protein forms N108T, N60T.
Identifiers: ClinVar variation 2663055 (VCV002663055.1), dbSNP rs2490773385, ClinGen allele CA375494842.
Genomic context (GRCh38, chr9:135,750,166, plus strand): 5'-TGGAGTTCTACGTCAACGAGAACACCTTCAAGGAGCGGCTCAAGCTGTTCTTCATCAAAA[A>C]CCAAAGATCGAGTGAGTGGGGTGCCTGGAGGGCCACTCCCAGGCAGGGAGGTGTTGAGGG-3'
Protein context (NP_065873.2, residues 98-118): KERLKLFFIK[Asn108Thr]QRSSLRIRLF

ClinVar aggregate classification (germline): Uncertain significance (1 of 4 stars; one submission).

Submission:

GeneDx
Classification: Uncertain significance. Last evaluated: 2023-05-01. Review status: criteria provided, single submitter. Criteria: GeneDx Variant Classification Process June 2021. Collection method: clinical testing. Allele origin: germline. Affected: yes.
Comment: In silico analysis supports that this missense variant has a deleterious effect on protein structure/function; Not observed at significant frequency in large population cohorts (gnomAD); Has not been previously published as pathogenic or benign to our knowledge